The following is an entry in ClinVar:

ClinVar aggregate classification (germline): Uncertain significance (1 of 4 stars; one submission).

Conditions:
Hereditary cancer-predisposing syndrome. Also called: Neoplastic Syndromes, Hereditary; Tumor predisposition; Hereditary Cancer Syndrome; Hereditary neoplastic syndrome. Identifiers: Orphanet 140162, MedGen C0027672, MeSH D009386, MONDO:0015356.

Submission:

Ambry Genetics
Classification: Uncertain significance for Hereditary cancer-predisposing syndrome. Last evaluated: 2024-11-28. Review status: criteria provided, single submitter. Criteria: Ambry Variant Classification Scheme 2023. Collection method: clinical testing. Allele origin: germline.
Comment: The p.F258L variant (also known as c.774C>G), located in coding exon 4 of the RET gene, results from a C to G substitution at nucleotide position 774. The phenylalanine at codon 258 is replaced by leucine, an amino acid with highly similar properties. This amino acid position is conserved. In addition, this alteration is predicted to be tolerated by in silico analysis. Based on the available evidence, the clinical significance of this variant remains unclear.

NM_020975.6(RET):c.774C>G (p.Phe258Leu)

Gene: RET (ret proto-oncogene; plus strand). Cytogenetic location: 10q11.21.
Variant type: single nucleotide variant.
Coding change: c.774C>G on transcript NM_020975.6 (MANE Select); coding-DNA position 774, C replaced by G.
Protein change: p.Phe258Leu; replaces phenylalanine 258 with leucine.
Molecular consequence: missense variant. On other transcripts: intron variant (22).
Genome position (GRCh38, 1-based): chr10:43,105,100, C>G. VCF-style: chr10-43105100-C-G. GRCh37 (hg19) VCF-style: chr10-43600548-C-G.
Other names: c.12C>G, p.Phe4Leu (NM_001355216.2); c.774C>G, p.Phe258Leu (NM_001406743.1, NM_001406744.1, NM_001406759.1 and 6 more transcripts); c.645C>G, p.Phe215Leu (NM_001406761.1, NM_001406762.1, NM_001406764.1 and 2 more transcripts); c.486C>G, p.Phe162Leu (NM_001406766.1, NM_001406767.1, NM_001406770.1); c.625+2471C>G (NM_001406773.1, NM_001406771.1, NM_001406782.1 and 5 more transcripts); c.496+2471C>G (NM_001406786.1, NM_001406783.1); c.338-3931C>G (NM_001406778.1, NM_001406775.1, NM_001406776.1 and 1 more transcripts); c.337+4378C>G (NM_001406790.1, NM_001406788.1, NM_001406789.1 and 1 more transcripts); and 2 more; short protein forms F162L, F4L, F215L, F258L.
Identifiers: ClinVar variation 3432300 (VCV003432300.1).
Genomic context (GRCh38, chr10:43,105,100, plus strand): 5'-GCTGGTGGCCGTGTGCACCGTGCACGCCGGCGCGCGCGAGGAGGTGGTGATGGTGCCCTT[C>G]CCGGTGACCGTGTACGACGAGGACGACTCGGCGCCCACCTTCCCCGCGGGCGTCGACACC-3'
Protein context (NP_066124.1, residues 248-268): GAREEVVMVP[Phe258Leu]PVTVYDEDDS